The following is an entry in ClinVar:

ClinVar aggregate classification (germline): Pathogenic (1 of 4 stars; one submission).

Conditions:
Hereditary diffuse gastric adenocarcinoma (HDGC). Also called: DIFFUSE GASTRIC AND LOBULAR BREAST CANCER SYNDROME. Identifiers: Orphanet 26106, MedGen C1708349, MONDO:0007648, OMIM 137215.

Submission:

Labcorp Genetics (formerly Invitae), Labcorp
Classification: Pathogenic for Hereditary diffuse gastric adenocarcinoma. Last evaluated: 2024-01-04. Review status: criteria provided, single submitter. Criteria: Invitae Variant Classification Sherloc (09022015). Collection method: clinical testing. Allele origin: germline.
Comment: This sequence change creates a premature translational stop signal (p.Ser572Phefs*16) in the CDH1 gene. It is expected to result in an absent or disrupted protein product. Loss-of-function variants in CDH1 are known to be pathogenic (PMID: 15235021, 20373070). This variant is not present in population databases (gnomAD no frequency). This variant has not been reported in the literature in individuals affected with CDH1-related conditions. For these reasons, this variant has been classified as Pathogenic.

Literature cited by the submitters: PubMed 15235021; PubMed 20373070.

NM_004360.5(CDH1):c.1714dup (p.Ser572fs)

Gene: CDH1 (cadherin 1; plus strand). Cytogenetic location: 16q22.1.
Variant type: Duplication.
Coding change: c.1714dup on transcript NM_004360.5 (MANE Select); coding-DNA position 1714, one base duplicated (T; older notation c.1714dupT).
Protein change: p.Ser572fs; shifts the reading frame from serine 572.
Molecular consequence: frameshift variant. On other transcripts: 5 prime UTR variant (1).
Genome position (GRCh38, 1-based): chr16:68,822,003, T duplicated; the last of 2 consecutive T bases (chr16:68,822,002-68,822,003); duplicating either gives the same sequence. VCF-style (leftmost placement, unchanged base first): chr16-68822001-G-GT. GRCh37 (hg19) VCF-style: chr16-68855904-G-GT.
Other names: c.1531dup, p.Ser511fs (NM_001317184.2); c.166dup, p.Ser56fs (NM_001317185.2); c.-252dup (NM_001317186.2); short protein forms S511fs, S572fs, S56fs.
Identifiers: ClinVar variation 2707479 (VCV002707479.3), dbSNP rs2543941842, ClinGen allele CA2697555902.